The following is an entry in ClinVar:

NM_004795.4(KL):c.398T>A (p.Phe133Tyr)

Gene: KL (klotho; plus strand). Cytogenetic location: 13q13.1.
Variant type: single nucleotide variant.
Coding change: c.398T>A on transcript NM_004795.4 (MANE Select); coding-DNA position 398, T replaced by A.
Protein change: p.Phe133Tyr; replaces phenylalanine 133 with tyrosine.
Molecular consequence: missense variant.
Genome position (GRCh38, 1-based): chr13:33,016,838, T>A. VCF-style: chr13-33016838-T-A. GRCh37 (hg19) VCF-style: chr13-33590976-T-A.
Other names: short protein forms F133Y.
Identifiers: ClinVar variation 1367439 (VCV001367439.9), dbSNP rs749356037, ClinGen allele CA6943886.

ClinVar aggregate classification (germline): Uncertain significance. Review status: criteria provided, multiple submitters, no conflicts (2 of 4 stars). 2 submissions from 2 submitters: Uncertain significance (2). Last evaluated 2024-02-24.

Conditions:
Tumoral calcinosis, hyperphosphatemic, familial, 3. Identifiers: MedGen C4693864, MONDO:0060715, OMIM 617994.

Allele frequency attached by ClinVar (database versions not stated): gnomAD exomes 0.00002 and 0.00004; TOPMed 0.00003; ExAC 0.00005.

Submissions (2):

Labcorp Genetics (formerly Invitae), Labcorp
Classification: Uncertain significance. Last evaluated: 2024-02-24. Review status: criteria provided, single submitter. Criteria: Invitae Variant Classification Sherloc (09022015). Collection method: clinical testing. Allele origin: germline.
Comment: This sequence change replaces phenylalanine, which is neutral and non-polar, with tyrosine, which is neutral and polar, at codon 133 of the KL protein (p.Phe133Tyr). This variant is present in population databases (rs749356037, gnomAD 0.03%). This variant has not been reported in the literature in individuals affected with KL-related conditions. ClinVar contains an entry for this variant (Variation ID: 1367439). Advanced modeling of protein sequence and biophysical properties (such as structural, functional, and spatial information, amino acid conservation, physicochemical variation, residue mobility, and thermodynamic stability) performed at Invitae indicates that this missense variant is not expected to disrupt KL protein function with a negative predictive value of 80%. In summary, the available evidence is currently insufficient to determine the role of this variant in disease. Therefore, it has been classified as a Variant of Uncertain Significance.

Fulgent Genetics
Classification: Uncertain significance for Tumoral calcinosis, hyperphosphatemic, familial, 3. Last evaluated: 2022-04-20. Review status: criteria provided, single submitter. Criteria: ACMG Guidelines, 2015. Collection method: clinical testing. Allele origin: unknown.